The following is an entry in ClinVar:

ClinVar aggregate classification (germline): Benign/Likely benign. Review status: criteria provided, multiple submitters, no conflicts (2 of 4 stars). 2 submissions from 2 submitters: Benign (1); Likely benign (1). Last evaluated 2025-12-14.

Conditions:
Methylmalonic acidemia with homocystinuria, type cblX (MAHCX). Also called: INTELLECTUAL DEVELOPMENTAL DISORDER, X-LINKED 3. Identifiers: Orphanet 369962, MedGen C0796208, MONDO:0010657, OMIM 309541.

Allele frequency attached by ClinVar (database versions not stated): gnomAD exomes 0.00001 and 0.00003; TOPMed 0.00001; gnomAD 0.00002 and 0.00005.

Submissions (2):

Labcorp Genetics (formerly Invitae), Labcorp
Classification: Benign for Methylmalonic acidemia with homocystinuria, type cblX. Last evaluated: 2025-12-14. Review status: criteria provided, single submitter. Criteria: Invitae Variant Classification Sherloc (09022015). Collection method: clinical testing. Allele origin: germline.

GeneDx
Classification: Likely benign. Last evaluated: 2016-07-22. Review status: criteria provided, single submitter. Criteria: GeneDx Variant Classification (06012015). Collection method: clinical testing. Allele origin: germline. Affected: yes.
Comment: This variant is considered likely benign or benign based on one or more of the following criteria: it is a conservative change, it occurs at a poorly conserved position in the protein, it is predicted to be benign by multiple in silico algorithms, and/or has population frequency not consistent with disease.

NM_005334.3(HCFC1):c.1804-18C>T

Gene: HCFC1 (host cell factor C1; minus strand). Cytogenetic location: Xq28.
Variant type: single nucleotide variant.
Coding change: c.1804-18C>T on transcript NM_005334.3 (MANE Select); 18 bases into the intron before coding-DNA position 1804, C replaced by T.
Molecular consequence: intron variant.
Genome position (GRCh38, 1-based): chrX:153,958,267, G>A on the plus strand (C>T on the coding strand, the complement: HCFC1 is on the minus strand). VCF-style: chrX-153958267-G-A. GRCh37 (hg19) VCF-style: chrX-153223718-G-A.
Identifiers: ClinVar variation 387461 (VCV000387461.6), dbSNP rs1057522797, ClinGen allele CA16609146.
Genomic context (GRCh38, chrX:153,958,267, plus strand): 5'-GGGCGGCTGCAGTCTTCAGCATGCGAGTGGCAGGGTTGCTCACCTGGAGGAGGCAGAGAC[G>A]AGTGACAGGCCAGGCAAAGAAAGCGATGGGGAAACCACCCAAGATGTCCACGGTGGGCCC-3'